The following is an entry in ClinVar:

NM_032043.3(BRIP1):c.2994G>A (p.Lys998=)

Gene: BRIP1 (BRCA1 interacting DNA helicase 1; minus strand). Cytogenetic location: 17q23.2.
Variant type: single nucleotide variant.
Coding change: c.2994G>A on transcript NM_032043.3 (MANE Select); coding-DNA position 2994, G replaced by A.
Protein change: p.Lys998=; no amino-acid change (lysine 998 retained).
Molecular consequence: synonymous variant.
Genome position (GRCh38, 1-based): chr17:61,684,052, C>T on the plus strand (G>A on the coding strand, the complement: BRIP1 is on the minus strand). VCF-style: chr17-61684052-C-T. GRCh37 (hg19) VCF-style: chr17-59761413-C-T.
Identifiers: ClinVar variation 1151431 (VCV001151431.14), dbSNP rs757225144, ClinGen allele CA501335600.
Genomic context (GRCh38, chr17:61,684,052, plus strand): 5'-CTTCGGTATTTTACCAGTAAAATACTGTCCCAAAGAATTAAAGCTTGACCAGCTAACTCT[C>T]TTTGTTTGTTTGTTGAAAGTTGGGCTTGTGGATCTGGAAATCACAATTTTTTCTGCTTTC-3'
Protein context (NP_114432.2, residues 988-1008): STSPTFNKQT[Lys998=]RVSWSSFNSL

ClinVar aggregate classification (germline): Benign/Likely benign. Review status: criteria provided, multiple submitters, no conflicts (2 of 4 stars). 4 submissions from 4 submitters: Benign (1); Likely benign (3). Last evaluated 2025-09-22.

Conditions:
Familial cancer of breast. Also called: BREAST CANCER, FAMILIAL; Hereditary breast cancer; hereditary breast carcinoma. Identifiers: Orphanet 227535, MedGen C0346153, MONDO:0016419, OMIM 114480. Disease mechanism: loss of function.
Hereditary cancer-predisposing syndrome. Also called: Hereditary Cancer Syndrome; Hereditary neoplastic syndrome; Neoplastic Syndromes, Hereditary; Tumor predisposition. Identifiers: Orphanet 140162, MedGen C0027672, MeSH D009386, MONDO:0015356.
Fanconi anemia complementation group J. Also called: BRIP1-Related Fanconi Anemia. Identifiers: Orphanet 84, MedGen C1836860, MONDO:0012187, OMIM 609054.

Submissions (4):

Color Diagnostics, LLC DBA Color Health
Classification: Likely benign for Hereditary cancer-predisposing syndrome. Last evaluated: 2025-09-22. Review status: criteria provided, single submitter. Criteria: ACMG Guidelines, 2015. Collection method: clinical testing. Allele origin: germline.

Myriad Genetics, Inc.
Classification: Benign for Familial cancer of breast. Last evaluated: 2024-09-09. Review status: criteria provided, single submitter. Criteria: Myriad Autosomal Dominant, Autosomal Recessive and X-Linked Classification Criteria (2023). Collection method: clinical testing. Allele origin: unknown.
Comment: This variant is considered benign. This variant is a silent/synonymous amino acid change and it is not expected to impact splicing.

Labcorp Genetics (formerly Invitae), Labcorp
Classification: Likely benign for Familial cancer of breast; Fanconi anemia complementation group J. Last evaluated: 2024-06-18. Review status: criteria provided, single submitter. Criteria: Invitae Variant Classification Sherloc (09022015). Collection method: clinical testing. Allele origin: germline.

Ambry Genetics
Classification: Likely benign for Hereditary cancer-predisposing syndrome. Last evaluated: 2015-12-22. Review status: criteria provided, single submitter. Criteria: Ambry Variant Classification Scheme 2023. Collection method: clinical testing. Allele origin: germline.